The following is an entry in ClinVar:

NM_004068.4(AP2M1):c.74+513T>C

Genes: AP2M1 (adaptor related protein complex 2 subunit mu 1; plus strand), LOC123453202 (Sharpr-MPRA regulatory region 464; plus strand). Cytogenetic location: 3q27.1.
Variant type: single nucleotide variant.
Coding change: c.74+513T>C on transcript NM_004068.4 (MANE Select); 513 bases into the intron after coding-DNA position 74, T replaced by C.
Molecular consequence: intron variant. On other transcripts: missense variant (1).
Genome position (GRCh38, 1-based): chr3:184,177,580, T>C. VCF-style: chr3-184177580-T-C. GRCh37 (hg19) VCF-style: chr3-183895368-T-C.
Other names: c.112T>C, p.Ser38Pro (NM_001311198.2); c.74+513T>C (NM_001025205.2); short protein forms S38P.
Identifiers: ClinVar variation 3055975 (VCV003055975.2), dbSNP rs118022228, ClinGen allele CA2727633.

ClinVar aggregate classification (germline): Benign (0 of 4 stars; one submission).

Conditions:
AP2M1-related disorder. Also called: AP2M1-related condition.

Allele frequency attached by ClinVar (database versions not stated): ExAC 0.00217; gnomAD exomes 0.00230; gnomAD 0.00481; TOPMed 0.00830; 1000 Genomes Project 0.01098; 1000 Genomes Project 30x 0.01187.
gnomAD v4.1: 3,963 of 1,536,096 alleles (0.26%); highest among the groups gnomAD compares: Admixed American, 5.2%; 99 homozygotes.

Submission:

PreventionGenetics, part of Exact Sciences
Classification: Benign for AP2M1-related condition. Last evaluated: 2019-10-30. Review status: no assertion criteria provided. Collection method: clinical testing. Allele origin: germline.
Comment: This variant is classified as benign based on ACMG/AMP sequence variant interpretation guidelines (Richards et al. 2015 PMID: 25741868, with internal and published modifications).